The following is an entry in ClinVar:

ClinVar aggregate classification (germline): Uncertain significance (1 of 4 stars; one submission).

Conditions:
Dilated cardiomyopathy 1AA (CMD1AA). Also called: CARDIOMYOPATHY, DILATED, 1AA, WITH OR WITHOUT LEFT VENTRICULAR NONCOMPACTION; CARDIOMYOPATHY, FAMILIAL HYPERTROPHIC, 23, WITH OR WITHOUT LEFT VENTRICULAR NONCOMPACTION; Cardiomyopathy, dilated, 1AA, with or without LVNC. Identifiers: Orphanet 154, MedGen C2677338, MONDO:0012808, OMIM 612158.
Primary familial hypertrophic cardiomyopathy (HCM). Identifiers: Orphanet 99739, MedGen C0949658, MeSH D024741, MONDO:0024573. Inheritance: Various modes of inheritance.

Submission:

Labcorp Genetics (formerly Invitae), Labcorp
Classification: Uncertain significance for Primary familial hypertrophic cardiomyopathy; Dilated cardiomyopathy 1AA. Last evaluated: 2025-02-26. Review status: criteria provided, single submitter. Criteria: Invitae Variant Classification Sherloc (09022015). Collection method: clinical testing. Allele origin: germline.
Comment: This sequence change replaces lysine, which is basic and polar, with threonine, which is neutral and polar, at codon 334 of the ACTN2 protein (p.Lys334Thr). This variant is not present in population databases (gnomAD no frequency). This variant has not been reported in the literature in individuals affected with ACTN2-related conditions. Invitae Evidence Modeling of protein sequence and biophysical properties (such as structural, functional, and spatial information, amino acid conservation, physicochemical variation, residue mobility, and thermodynamic stability) indicates that this missense variant is expected to disrupt ACTN2 protein function with a positive predictive value of 80%. In summary, the available evidence is currently insufficient to determine the role of this variant in disease. Therefore, it has been classified as a Variant of Uncertain Significance.

NM_001103.4(ACTN2):c.1001A>C (p.Lys334Thr)

Gene: ACTN2 (actinin alpha 2; plus strand). Cytogenetic location: 1q43.
Variant type: single nucleotide variant.
Coding change: c.1001A>C on transcript NM_001103.4 (MANE Select); coding-DNA position 1001, A replaced by C.
Protein change: p.Lys334Thr; replaces lysine 334 with threonine.
Molecular consequence: missense variant. On other transcripts: non-coding transcript variant (1).
Genome position (GRCh38, 1-based): chr1:236,739,426, A>C. VCF-style: chr1-236739426-A-C. GRCh37 (hg19) VCF-style: chr1-236902726-A-C.
Other names: c.1001A>C, p.Lys334Thr (NM_001278343.2); short protein forms K334T.
Identifiers: ClinVar variation 4788886 (VCV004788886.1).